The following is an entry in ClinVar:

NM_000051.4(ATM):c.8414T>G (p.Met2805Arg)

Genes: ATM (ATM serine/threonine kinase; plus strand), C11orf65 (chromosome 11 open reading frame 65; minus strand). Cytogenetic location: 11q22.3.
Variant type: single nucleotide variant.
Coding change: c.8414T>G on transcript NM_000051.4 (MANE Select); coding-DNA position 8414, T replaced by G.
Protein change: p.Met2805Arg; replaces methionine 2805 with arginine.
Molecular consequence: missense variant. On other transcripts: intron variant (2).
Genome position (GRCh38, 1-based): chr11:108,343,367, T>G. VCF-style: chr11-108343367-T-G. GRCh37 (hg19) VCF-style: chr11-108214094-T-G.
Other names: c.8414T>G, p.Met2805Arg (NM_001351834.2); c.641-34296A>C (NM_001330368.2); c.695-8075A>C (NM_001351110.2); short protein forms M2805R.
Identifiers: ClinVar variation 3708943 (VCV003708943.2).

ClinVar aggregate classification (germline): Uncertain significance (1 of 4 stars; one submission).

Conditions:
Ataxia-telangiectasia syndrome (AT). Also called: Ataxia-telangiectasia, complementation group D; AT, COMPLEMENTATION GROUP C; ATAXIA-TELANGIECTASIA, COMPLEMENTATION GROUP A; ATAXIA-TELANGIECTASIA, FRESNO VARIANT; Ataxia-telangiectasia; Ataxia-telangiectasia, complementation group E. Identifiers: Orphanet 100, MedGen C0004135, MONDO:0008840, OMIM 208900.

Submission:

Labcorp Genetics (formerly Invitae), Labcorp
Classification: Uncertain significance for Ataxia-telangiectasia syndrome. Last evaluated: 2024-11-24. Review status: criteria provided, single submitter. Criteria: Invitae Variant Classification Sherloc (09022015). Collection method: clinical testing. Allele origin: germline.
Comment: This sequence change replaces methionine, which is neutral and non-polar, with arginine, which is basic and polar, at codon 2805 of the ATM protein (p.Met2805Arg). This variant is not present in population databases (gnomAD no frequency). This variant has not been reported in the literature in individuals affected with ATM-related conditions. Invitae Evidence Modeling of protein sequence and biophysical properties (such as structural, functional, and spatial information, amino acid conservation, physicochemical variation, residue mobility, and thermodynamic stability) has been performed for this missense variant. However, the output from this modeling did not meet the statistical confidence thresholds required to predict the impact of this variant on ATM protein function. In summary, the available evidence is currently insufficient to determine the role of this variant in disease. Therefore, it has been classified as a Variant of Uncertain Significance.